The following is an entry in ClinVar:

ClinVar aggregate classification (germline): Benign. Review status: criteria provided, multiple submitters, no conflicts (2 of 4 stars). 2 submissions from 2 submitters: Benign (2). Last evaluated 2018-06-19.

Allele frequency attached by ClinVar (database versions not stated): 1000 Genomes Project 0.09165; 1000 Genomes Project 30x 0.09853; TOPMed 0.11916; gnomAD 0.12167.
gnomAD v4.1: 18,038 of 151,830 alleles (12%); highest among the groups gnomAD compares: Middle Eastern, 23%; 1,151 homozygotes.

Submissions (2):

GeneDx
Classification: Benign. Last evaluated: 2018-06-19. Review status: criteria provided, single submitter. Criteria: GeneDx Variant Classification (06012015). Collection method: clinical testing. Allele origin: germline. Affected: yes.
Comment: This variant is considered likely benign or benign based on one or more of the following criteria: it is a conservative change, it occurs at a poorly conserved position in the protein, it is predicted to be benign by multiple in silico algorithms, and/or has population frequency not consistent with disease.

Breakthrough Genomics
Classification: Benign. Review status: criteria provided, single submitter. Criteria: ACMG Guidelines, 2015. Collection method: not provided. Allele origin: germline. Inheritance: Autosomal dominant inheritance. Affected: yes.

NM_130839.5(UBE3A):c.1960-277C>T

Genes: SNHG14 (small nucleolar RNA host gene 14; plus strand), UBE3A (ubiquitin protein ligase E3A; minus strand). Cytogenetic location: 15q11.2.
Variant type: single nucleotide variant.
Coding change: c.1960-277C>T on transcript NM_130839.5 (MANE Select); 277 bases into the intron before coding-DNA position 1960, C replaced by T.
Molecular consequence: intron variant.
Genome position (GRCh38, 1-based): chr15:25,356,333, G>A on the plus strand (C>T on the coding strand, the complement: UBE3A is on the minus strand). VCF-style: chr15-25356333-G-A. GRCh37 (hg19) VCF-style: chr15-25601480-G-A.
Other names: c.1783-277C>T (NM_001354546.2); c.649-277C>T (NM_001354551.2); c.1899+358C>T (NM_001354549.2); c.1900-277C>T (NM_001354548.2, NM_130838.4, NM_001354542.2 and 16 more transcripts); c.709-277C>T (NM_001354550.2); c.1960-277C>T (NM_001354545.2, NM_001354538.2, NM_001354505.1); c.1969-277C>T (NM_000462.5).
Identifiers: ClinVar variation 668942 (VCV000668942.2), dbSNP rs34020669, ClinGen allele CA15849816.